The following is an entry in ClinVar:

ClinVar aggregate classification (germline): Benign/Likely benign. Review status: criteria provided, multiple submitters, no conflicts (2 of 4 stars). 11 submissions from 11 submitters: Benign (2); Likely benign (8). 1 of the submissions does not count toward it. Last evaluated 2025-12-15.

Conditions:
Hereditary nonpolyposis colon cancer (HNPCC). Also called: Hereditary Nonpolyposis Colorectal Cancer Syndrome; Hereditary nonpolyposis colorectal cancer; Familial nonpolyposis colon cancer. Identifiers: Orphanet 443909, MedGen C1333990, MONDO:0018630. Disease mechanism: loss of function.
Hereditary cancer-predisposing syndrome. Also called: Tumor predisposition; Hereditary Cancer Syndrome; Hereditary neoplastic syndrome; Neoplastic Syndromes, Hereditary. Identifiers: Orphanet 140162, MedGen C0027672, MeSH D009386, MONDO:0015356.
Familial cancer of breast. Also called: BREAST CANCER, FAMILIAL; Hereditary breast cancer; hereditary breast carcinoma. Identifiers: Orphanet 227535, MedGen C0346153, MONDO:0016419, OMIM 114480. Disease mechanism: loss of function.

Allele frequency attached by ClinVar (database versions not stated): TOPMed 0.00007.
gnomAD v4.1: 82 of 1,614,024 alleles (0.0051%); highest among the groups gnomAD compares: Non-Finnish European, 0.0067%; no homozygotes.

Submissions (11):

Labcorp Genetics (formerly Invitae), Labcorp
Classification: Likely benign for Familial cancer of breast. Last evaluated: 2025-12-15. Review status: criteria provided, single submitter. Criteria: Invitae Variant Classification Sherloc (09022015). Collection method: clinical testing. Allele origin: germline.

Myriad Genetics, Inc.
Classification: Benign for Familial cancer of breast. Last evaluated: 2023-03-08. Review status: criteria provided, single submitter. Criteria: Myriad Autosomal Dominant, Autosomal Recessive and X-Linked Classification Criteria (2023). Collection method: clinical testing. Allele origin: unknown.
Comment: This variant is considered benign. This variant is a silent/synonymous amino acid change and it is not expected to impact splicing.

Quest Diagnostics Nichols Institute San Juan Capistrano
Classification: Likely benign. Last evaluated: 2021-07-07. Review status: criteria provided, single submitter. Criteria: Quest Diagnostics criteria. Collection method: clinical testing. Allele origin: unknown.

Sema4
Classification: Likely benign for Hereditary cancer-predisposing syndrome. Last evaluated: 2021-06-20. Review status: criteria provided, single submitter. Criteria: Sema4 Curation Guidelines. Collection method: curation. Allele origin: germline.

Department of Pathology and Laboratory Medicine, Sinai Health System
Classification: Likely benign for hereditary nonpolyposis colon cancer. Last evaluated: 2020-10-20. Review status: criteria provided, single submitter. Criteria: ACMG Guidelines, 2015. Collection method: clinical testing. Allele origin: germline. Affected: no.

Women's Health and Genetics/Laboratory Corporation of America, LabCorp
Classification: Likely benign. Last evaluated: 2020-02-29. Review status: criteria provided, single submitter. Criteria: LabCorp Variant Classification Summary - May 2015. Collection method: clinical testing. Allele origin: germline.

Genetic Services Laboratory, University of Chicago
Classification: Likely benign. Last evaluated: 2019-06-12. Review status: criteria provided, single submitter. Criteria: ACMG Guidelines, 2015. Collection method: clinical testing. Allele origin: germline. Affected: no.

Color Diagnostics, LLC DBA Color Health
Classification: Likely benign for Hereditary cancer-predisposing syndrome. Last evaluated: 2016-12-07. Review status: criteria provided, single submitter. Criteria: ACMG Guidelines, 2015. Collection method: clinical testing. Allele origin: germline.

GeneDx
Classification: Benign. Last evaluated: 2015-09-02. Review status: criteria provided, single submitter. Criteria: GeneDx Variant Classification Process June 2021. Collection method: clinical testing. Allele origin: germline. Affected: yes.

Ambry Genetics
Classification: Likely benign for Hereditary cancer-predisposing syndrome. Last evaluated: 2015-02-17. Review status: criteria provided, single submitter. Criteria: Ambry Variant Classification Scheme 2023. Collection method: clinical testing. Allele origin: germline.

Counsyl
Classification: Likely benign for Familial cancer of breast. Last evaluated: 2016-04-20. Review status: no assertion criteria provided. Collection method: clinical testing. Allele origin: unknown. Not counted in ClinVar's aggregate classification.

Literature cited by the submitters: PubMed 26787654 (cited by 3 submitters).

NM_007194.4(CHEK2):c.474A>G (p.Ala158=)

Gene: CHEK2 (checkpoint kinase 2; minus strand). Cytogenetic location: 22q12.1.
Variant type: single nucleotide variant.
Coding change: c.474A>G on transcript NM_007194.4 (MANE Select); coding-DNA position 474, A replaced by G.
Protein change: p.Ala158=; no amino-acid change (alanine 158 retained).
Molecular consequence: synonymous variant. On other transcripts: 5 prime UTR variant (2), intron variant (1).
Genome position (GRCh38, 1-based): chr22:28,725,095, T>C on the plus strand (A>G on the coding strand, the complement: CHEK2 is on the minus strand). VCF-style: chr22-28725095-T-C. GRCh37 (hg19) VCF-style: chr22-29121083-T-C.
Other names: c.603A>G, p.Ala201= (NM_001005735.3, NM_001438294.1); c.-304A>G (NM_001257387.3); c.-190A>G (NM_001437942.1); c.567A>G, p.Ala189= (NM_001438293.1, NM_001438295.1); c.474A>G, p.Ala158= (NM_145862.3); c.444+148A>G (NM_001349956.3).
Identifiers: ClinVar variation 183844 (VCV000183844.29), dbSNP rs745699485, ClinGen allele CA186715.